The following is an entry in ClinVar:

ClinVar aggregate classification (germline): Benign. Review status: criteria provided, multiple submitters, no conflicts (2 of 4 stars). 3 submissions from 2 submitters: Benign (3). Last evaluated 2018-01-12.

Conditions:
Charcot-Marie-Tooth disease, axonal, with vocal cord paresis, autosomal recessive. Also called: CHARCOT-MARIE-TOOTH DISEASE, TYPE 4A, AXONAL FORM; CHARCOT-MARIE-TOOTH NEUROPATHY, AXONAL, WITH VOCAL CORD PARESIS, AUTOSOMAL RECESSIVE; CMT2 WITH VOCAL CORD PARESIS, AUTOSOMAL RECESSIVE. Identifiers: Orphanet 101097, MedGen C1843183, MONDO:0011898, OMIM 607706.
Charcot-Marie-Tooth disease recessive intermediate A (CMTRIA). Also called: CHARCOT-MARIE-TOOTH NEUROPATHY, RECESSIVE INTERMEDIATE A. Identifiers: Orphanet 217055, MedGen C1842197, MONDO:0012014, OMIM 608340.

Allele frequency attached by ClinVar (database versions not stated): gnomAD 0.18293 and 0.18836; TOPMed 0.20077; gnomAD exomes 0.21536 and 0.23783; ExAC 0.22755; 1000 Genomes Project 0.23363; 1000 Genomes Project 30x 0.23454.
gnomAD v4.1: 93,382 of 454,016 alleles (21%); highest among the groups gnomAD compares: Admixed American, 37%; 10,834 homozygotes.

Submissions (5):

Illumina Laboratory Services, Illumina
Classification: Benign for Charcot-Marie-Tooth disease, axonal, with vocal cord paresis, autosomal recessive. Last evaluated: 2018-01-12. Review status: criteria provided, single submitter. Criteria: ICSL Variant Classification Criteria 13 December 2019. Collection method: clinical testing. Allele origin: germline.
Comment: This variant was observed in the ICSL laboratory as part of a predisposition screen in an ostensibly healthy population. It had not been previously curated by ICSL or reported in the Human Gene Mutation Database (HGMD: prior to June 1st, 2018), and was therefore a candidate for classification through an automated scoring system. Utilizing variant allele frequency, disease prevalence and penetrance estimates, and inheritance mode, an automated score was calculated to assess if this variant is too frequent to cause the disease. Based on the score and internal cut-off values, a variant classified as benign is not then subjected to further curation. The score for this variant resulted in a classification of benign for this disease.

Illumina Laboratory Services, Illumina
Classification: Benign for Charcot-Marie-Tooth disease recessive intermediate A. Last evaluated: 2018-01-12. Review status: criteria provided, single submitter. Criteria: ICSL Variant Classification Criteria 13 December 2019. Collection method: clinical testing. Allele origin: germline.
Comment: the same text as in the submission from Illumina Laboratory Services, Illumina above.

Breakthrough Genomics
Classification: Benign. Review status: criteria provided, single submitter. Criteria: ACMG Guidelines, 2015. Collection method: not provided. Allele origin: germline. Inheritance: Autosomal recessive inheritance. Affected: yes.

Dr. Peter K. Rogan Lab, Western University
No classification provided (evidence only). Condition: Acute myeloid leukemia. Review status: no classification provided. Collection method: in vitro. Allele origin: not applicable. Functional consequence: retained intron. Not counted in ClinVar's aggregate classification.

Dr. Peter K. Rogan Lab, Western University
No classification provided (evidence only). Condition: Acute myeloid leukemia. Review status: no classification provided. Collection method: in vitro. Allele origin: not applicable. Functional consequence: retained intron. Not counted in ClinVar's aggregate classification.

NM_018972.4(GDAP1):c.*1878G>T

Gene: GDAP1 (ganglioside induced differentiation associated protein 1; plus strand). Cytogenetic location: 8q21.11.
Variant type: single nucleotide variant.
Coding change: c.*1878G>T on transcript NM_018972.4 (MANE Select); 1878 bases downstream of the stop codon, G replaced by T.
Molecular consequence: 3 prime UTR variant. On other transcripts: intron variant (1).
Genome position (GRCh38, 1-based): chr8:74,366,245, G>T. VCF-style: chr8-74366245-G-T. GRCh37 (hg19) VCF-style: chr8-75278480-G-T.
Other names: NC_000008.10:g.75278480G>T; c.*1878G>T (NM_001040875.4, NM_001362929.2, NM_001362930.2 and 1 more transcripts); c.694+3192G>T (NM_001362931.2).
Identifiers: ClinVar variation 363753 (VCV000363753.7), dbSNP rs16938896, ClinGen allele CA4785346.